The following is an entry in ClinVar:

NM_000123.4(ERCC5):c.1097G>A (p.Arg366Gln)

Genes: ERCC5 (ERCC excision repair 5, endonuclease; plus strand), BIVM-ERCC5 (BIVM-ERCC5 readthrough; plus strand). Cytogenetic location: 13q33.1.
Variant type: single nucleotide variant.
Coding change: c.1097G>A on transcript NM_000123.4 (MANE Select); coding-DNA position 1097, G replaced by A.
Protein change: p.Arg366Gln; replaces arginine 366 with glutamine.
Molecular consequence: missense variant.
Genome position (GRCh38, 1-based): chr13:102,862,246, G>A. VCF-style: chr13-102862246-G-A. GRCh37 (hg19) VCF-style: chr13-103514596-G-A.
Other names: c.2459G>A, p.Arg820Gln (NM_001204425.2); short protein forms R366Q, R820Q.
Identifiers: ClinVar variation 1692172 (VCV001692172.1), dbSNP rs769870058, ClinGen allele CA7041348.
Genomic context (GRCh38, chr13:102,862,246, plus strand): 5'-TAGCTATGCAAGCTGCCCTGCTGGGAAGTAGCTCAGAAGAGGAGCTGGAGAGTGAAAATC[G>A]AAGGCAGGCCCGTGGGAGGAACGCACCTGCTGCTGTAGACGAAGGCTCCATATCACCCCG-3'
Protein context (NP_000114.3, residues 356-376): SSEEELESEN[Arg366Gln]RQARGRNAPA

ClinVar aggregate classification (germline): Uncertain significance (1 of 4 stars; one submission).

Conditions:
Hereditary cancer-predisposing syndrome. Also called: Hereditary Cancer Syndrome; Hereditary neoplastic syndrome; Neoplastic Syndromes, Hereditary; Tumor predisposition. Identifiers: Orphanet 140162, MedGen C0027672, MeSH D009386, MONDO:0015356.

Allele frequency attached by ClinVar (database versions not stated): ExAC 0.00001; gnomAD exomes 0.00001 and 0.00002; TOPMed 0.00002.

Submission:

Sema4
Classification: Uncertain significance for Hereditary cancer-predisposing syndrome. Last evaluated: 2022-02-10. Review status: criteria provided, single submitter. Criteria: Sema4 Curation Guidelines. Collection method: curation. Allele origin: germline.
Comment: The ERCC5 c.1097G>A (p.R366Q) variant has not been reported in the literature to our knowledge. It was observed in 1/16236 chromosomes of the African/African American (AFR) subpopulation in the large and broad cohorts of the Genome Aggregation Database (PMID: 32461654). This variant has not been reported in ClinVar. In silico tools suggest the impact of the variant on protein function is benign, though these predictions have not been confirmed by functional studies. The evidence is insufficient to meet ACMG/AMP criteria for classifying the variant as benign or pathogenic. Thus, the clinical significance of this variant is currently uncertain.